The following is an entry in ClinVar:

NM_000064.4(C3):c.768C>T (p.Thr256=)

Gene: C3 (complement C3; minus strand). Cytogenetic location: 19p13.3.
Variant type: single nucleotide variant.
Coding change: c.768C>T on transcript NM_000064.4 (MANE Select); coding-DNA position 768, C replaced by T.
Protein change: p.Thr256=; no amino-acid change (threonine 256 retained).
Molecular consequence: synonymous variant.
Genome position (GRCh38, 1-based): chr19:6,713,997, G>A on the plus strand (C>T on the coding strand, the complement: C3 is on the minus strand). VCF-style: chr19-6713997-G-A. GRCh37 (hg19) VCF-style: chr19-6714008-G-A.
Other names: p.Thr256=.
Identifiers: ClinVar variation 799505 (VCV000799505.10), dbSNP rs546978146, ClinGen allele CA9129695.
Genomic context (GRCh38, chr19:6,713,997, plus strand): 5'-GTCTTCACCTGGTCCCTCACCTGGCTCTTACCTGGCCCCACCCCCAGTCCCTCACCTGGC[G>A]GTGATGGTGACCTCCAGGCCCTTCTCGTTATAGATGTAGTAGAATTTCTCTGTAGGCTCC-3'
Protein context (NP_000055.2, residues 246-266): YNEKGLEVTI[Thr256=]ARFLYGKKVE

ClinVar aggregate classification (germline): Likely benign. Review status: criteria provided, multiple submitters, no conflicts (2 of 4 stars). 2 submissions from 2 submitters: Likely benign (2). Last evaluated 2025-12-16.

Allele frequency attached by ClinVar (database versions not stated): ExAC 0.00002; gnomAD 0.00002 and 0.00003; gnomAD exomes 0.00002 and 0.00004; TOPMed 0.00002; 1000 Genomes Project 30x 0.00016; 1000 Genomes Project 0.00020.
gnomAD v4.1: 57 of 1,602,438 alleles (0.0036%); highest among the groups gnomAD compares: Middle Eastern, 0.017%; no homozygotes.

Submissions (2):

Labcorp Genetics (formerly Invitae), Labcorp
Classification: Likely benign. Last evaluated: 2025-12-16. Review status: criteria provided, single submitter. Criteria: Invitae Variant Classification Sherloc (09022015). Collection method: clinical testing. Allele origin: germline.

Mayo Clinic Laboratories, Mayo Clinic
Classification: Likely benign. Last evaluated: 2025-11-19. Review status: criteria provided, single submitter. Criteria: ACMG Guidelines, 2015. Collection method: clinical testing. Allele origin: germline. Observed: 1 variant allele.
Comment: BP4, BP7